The following is an entry in ClinVar:

ClinVar aggregate classification (germline): Likely benign (1 of 4 stars; one submission).

Submission:

CeGaT Center for Human Genetics Tuebingen
Classification: Likely benign. Last evaluated: 2026-05-01. Review status: criteria provided, single submitter. Criteria: CeGaT Center For Human Genetics Tuebingen Variant Classification Criteria Version 2. Collection method: clinical testing. Allele origin: germline. Affected: yes. Observed: 1 variant allele.
Comment: MAP1B: BP4

NM_005909.5(MAP1B):c.5113C>G (p.Pro1705Ala)

Gene: MAP1B (microtubule associated protein 1B; plus strand). Cytogenetic location: 5q13.2.
Variant type: single nucleotide variant.
Coding change: c.5113C>G on transcript NM_005909.5 (MANE Select); coding-DNA position 5113, C replaced by G.
Protein change: p.Pro1705Ala; replaces proline 1705 with alanine.
Molecular consequence: missense variant.
Genome position (GRCh38, 1-based): chr5:72,198,468, C>G. VCF-style: chr5-72198468-C-G. GRCh37 (hg19) VCF-style: chr5-71494295-C-G.
Other names: c.4735C>G, p.Pro1579Ala (NM_001324255.2); short protein forms P1579A, P1705A.
Identifiers: ClinVar variation 4874516 (VCV004874516.2).